The following is an entry in ClinVar:

ClinVar aggregate classification (germline): Benign/Likely benign. Review status: criteria provided, multiple submitters, no conflicts (2 of 4 stars). 9 submissions from 9 submitters: Benign (2); Likely benign (7). Last evaluated 2026-02-03.

Conditions:
Classic or attenuated familial adenomatous polyposis. Identifiers: MedGen CN372698, MONDO:0021057.
Hereditary cancer-predisposing syndrome. Also called: Tumor predisposition; Hereditary Cancer Syndrome; Neoplastic Syndromes, Hereditary; Hereditary neoplastic syndrome. Identifiers: Orphanet 140162, MedGen C0027672, MeSH D009386, MONDO:0015356.
Familial adenomatous polyposis 1 (FAP1). Also called: FAMILIAL ADENOMATOUS POLYPOSIS 1, ATTENUATED; POLYPOSIS, ADENOMATOUS INTESTINAL. Identifiers: MedGen C2713442, MONDO:0021056, OMIM 175100. Disease mechanism: loss of function.

Allele frequency attached by ClinVar (database versions not stated): gnomAD 0.00001; TOPMed 0.00001; ExAC 0.00002; gnomAD exomes 0.00004 and 0.00006.
gnomAD v4.1: 92 of 1,614,004 alleles (0.0057%); highest among the groups gnomAD compares: South Asian, 0.013%; no homozygotes.

Submissions (9):

Labcorp Genetics (formerly Invitae), Labcorp
Classification: Benign for Familial adenomatous polyposis 1. Last evaluated: 2026-02-03. Review status: criteria provided, single submitter. Criteria: Invitae Variant Classification Sherloc (09022015). Collection method: clinical testing. Allele origin: germline.

Center for Genomic Medicine, Rigshospitalet, Copenhagen University Hospital
Classification: Likely benign. Last evaluated: 2025-12-29. Review status: criteria provided, single submitter. Criteria: ACMG Guidelines, 2015. Collection method: clinical testing. Allele origin: germline.

Myriad Genetics, Inc.
Classification: Benign for Familial adenomatous polyposis 1. Last evaluated: 2024-03-14. Review status: criteria provided, single submitter. Criteria: Myriad Autosomal Dominant, Autosomal Recessive and X-Linked Classification Criteria (2023). Collection method: clinical testing. Allele origin: unknown.
Comment: This variant is considered benign. This variant is a silent/synonymous amino acid change and it is not expected to impact splicing.

All of Us Research Program, National Institutes of Health
Classification: Likely benign for Classic or attenuated familial adenomatous polyposis. Last evaluated: 2023-10-02. Review status: criteria provided, single submitter. Criteria: ACMG Guidelines, 2015. Collection method: clinical testing. Allele origin: germline. Inheritance: Autosomal dominant inheritance. Observed: 4 variant alleles, 4 heterozygotes.
Comment: This study involves interpretation of variants in research participants for the purpose of population health screening. Participant phenotype was not available at the time of variant classification. Additional details can be found in publication PMID: 35346344, PMCID: PMC8962531

Quest Diagnostics Nichols Institute San Juan Capistrano
Classification: Likely benign. Last evaluated: 2023-07-03. Review status: criteria provided, single submitter. Criteria: Quest Diagnostics criteria. Collection method: clinical testing. Allele origin: unknown.

CeGaT Center for Human Genetics Tuebingen
Classification: Likely benign. Last evaluated: 2020-03-01. Review status: criteria provided, single submitter. Criteria: CeGaT Center For Human Genetics Tuebingen Variant Classification Criteria Version 2. Collection method: clinical testing. Allele origin: germline. Affected: yes. Observed: 1 variant allele.

GeneDx
Classification: Likely benign. Last evaluated: 2019-06-20. Review status: criteria provided, single submitter. Criteria: GeneDx Variant Classification Process June 2021. Collection method: clinical testing. Allele origin: germline. Affected: yes.

Color Diagnostics, LLC DBA Color Health
Classification: Likely benign for Hereditary cancer-predisposing syndrome. Last evaluated: 2016-06-15. Review status: criteria provided, single submitter. Criteria: ACMG Guidelines, 2015. Collection method: clinical testing. Allele origin: germline.

Ambry Genetics
Classification: Likely benign for Hereditary cancer-predisposing syndrome. Last evaluated: 2016-03-25. Review status: criteria provided, single submitter. Criteria: Ambry Variant Classification Scheme 2023. Collection method: clinical testing. Allele origin: germline.

NM_000038.6(APC):c.2568C>T (p.Arg856=)

Gene: APC (APC regulator of Wnt signaling pathway; plus strand). Cytogenetic location: 5q22.2.
Variant type: single nucleotide variant.
Coding change: c.2568C>T on transcript NM_000038.6 (MANE Select); coding-DNA position 2568, C replaced by T.
Protein change: p.Arg856=; no amino-acid change (arginine 856 retained).
Molecular consequence: synonymous variant.
Genome position (GRCh38, 1-based): chr5:112,838,162, C>T. VCF-style: chr5-112838162-C-T. GRCh37 (hg19) VCF-style: chr5-112173859-C-T.
Other names: c.2568C>T, p.Arg856= (NM_001127510.3, NM_001354895.2); c.2514C>T, p.Arg838= (NM_001127511.3); c.2622C>T, p.Arg874= (NM_001354896.2); c.2598C>T, p.Arg866= (NM_001354897.2); c.2493C>T, p.Arg831= (NM_001354898.2); c.2484C>T, p.Arg828= (NM_001354899.2); c.2445C>T, p.Arg815= (NM_001354900.2); c.2391C>T, p.Arg797= (NM_001354901.2); and 5 more.
Identifiers: ClinVar variation 236576 (VCV000236576.60), dbSNP rs751433216, ClinGen allele CA032572.